The following is an entry in ClinVar:

ClinVar aggregate classification (germline): Uncertain significance (1 of 4 stars; one submission).

Submission:

Labcorp Genetics (formerly Invitae), Labcorp
Classification: Uncertain significance. Last evaluated: 2021-09-24. Review status: criteria provided, single submitter. Criteria: Invitae Variant Classification Sherloc (09022015). Collection method: clinical testing. Allele origin: germline.
Comment: This variant has not been reported in the literature in individuals affected with KIF2A-related conditions. This variant is a gross deletion of the genomic region encompassing exon(s) 1 of the KIF2A gene, which includes the initiator codon. This deletion extends beyond the assayed region for this gene and therefore may encompass additional genes. It is expected to result in an absent or disrupted protein product. However, the current clinical and genetic evidence is not sufficient to establish whether loss-of-function variants in KIF2A cause disease. In summary, the available evidence is currently insufficient to determine the role of this variant in disease. Therefore, it has been classified as a Variant of Uncertain Significance.

NC_000005.9:g.(?_61602300)_(61602383_?)del

Gene: KIF2A (kinesin family member 2A; plus strand). Cytogenetic location: 5q12.1.
Variant type: Deletion.
Identifiers: ClinVar variation 1486972 (VCV001486972.4).